The following is an entry in ClinVar:

ClinVar aggregate classification (germline): Uncertain significance (1 of 4 stars; one submission).

Allele frequency attached by ClinVar (database versions not stated): gnomAD 0.00001; TOPMed 0.00001.
gnomAD v4.1: 23 of 1,613,886 alleles (0.0014%); highest among the groups gnomAD compares: Middle Eastern, 0.016%; no homozygotes.

Submission:

Ambry Genetics
Classification: Uncertain significance. Last evaluated: 2024-03-30. Review status: criteria provided, single submitter. Criteria: Ambry Variant Classification Scheme 2023. Collection method: clinical testing. Allele origin: germline.
Comment: The p.S597G variant (also known as c.1789A>G), located in coding exon 11 of the POLQ gene, results from an A to G substitution at nucleotide position 1789. The serine at codon 597 is replaced by glycine, an amino acid with similar properties. This amino acid position is conserved. In addition, this alteration is predicted to be tolerated by in silico analysis. Since supporting evidence is limited at this time, the clinical significance of this alteration remains unclear.

NM_199420.4(POLQ):c.1789A>G (p.Ser597Gly)

Gene: POLQ (DNA polymerase theta; minus strand). Cytogenetic location: 3q13.33.
Variant type: single nucleotide variant.
Coding change: c.1789A>G on transcript NM_199420.4 (MANE Select); coding-DNA position 1789, A replaced by G.
Protein change: p.Ser597Gly; replaces serine 597 with glycine.
Molecular consequence: missense variant.
Genome position (GRCh38, 1-based): chr3:121,510,066, T>C on the plus strand (A>G on the coding strand, the complement: POLQ is on the minus strand). VCF-style: chr3-121510066-T-C. GRCh37 (hg19) VCF-style: chr3-121228913-T-C.
Other names: short protein forms S597G.
Identifiers: ClinVar variation 1780142 (VCV001780142.3), dbSNP rs747103097, ClinGen allele CA354114373.